The following is an entry in ClinVar:

ClinVar aggregate classification (germline): Uncertain significance (1 of 4 stars; one submission).

Conditions:
Emery-Dreifuss muscular dystrophy 5, autosomal dominant (EDMD5). Also called: EMERY-DREIFUSS MUSCULAR DYSTROPHY 5. Identifiers: Orphanet 261, MedGen C2751805, MONDO:0013072, OMIM 612999.

gnomAD v4.1: 1 of 1,614,230 alleles (0.000062%); highest among the groups gnomAD compares: Non-Finnish European, 0.000085%; no homozygotes.

Submission:

Labcorp Genetics (formerly Invitae), Labcorp
Classification: Uncertain significance for Emery-Dreifuss muscular dystrophy 5, autosomal dominant. Last evaluated: 2022-07-19. Review status: criteria provided, single submitter. Criteria: Invitae Variant Classification Sherloc (09022015). Collection method: clinical testing. Allele origin: germline.
Comment: In summary, the available evidence is currently insufficient to determine the role of this variant in disease. Therefore, it has been classified as a Variant of Uncertain Significance. Algorithms developed to predict the effect of missense changes on protein structure and function are either unavailable or do not agree on the potential impact of this missense change (SIFT: "Tolerated"; PolyPhen-2: "Probably Damaging"; Align-GVGD: "Class C0"). This variant has not been reported in the literature in individuals affected with SYNE2-related conditions. This variant is not present in population databases (gnomAD no frequency). This sequence change replaces serine, which is neutral and polar, with proline, which is neutral and non-polar, at codon 6635 of the SYNE2 protein (p.Ser6635Pro).

NM_182914.3(SYNE2):c.19903T>C (p.Ser6635Pro)

Gene: SYNE2 (spectrin repeat containing nuclear envelope protein 2; plus strand). Cytogenetic location: 14q23.2.
Variant type: single nucleotide variant.
Coding change: c.19903T>C on transcript NM_182914.3 (MANE Select); coding-DNA position 19903, T replaced by C.
Protein change: p.Ser6635Pro; replaces serine 6635 with proline.
Molecular consequence: missense variant.
Genome position (GRCh38, 1-based): chr14:64,220,479, T>C. VCF-style: chr14-64220479-T-C. GRCh37 (hg19) VCF-style: chr14-64687197-T-C.
Other names: c.19834T>C, p.Ser6612Pro (NM_015180.6); c.427T>C, p.Ser143Pro (NM_182910.2); c.805T>C, p.Ser269Pro (NM_182913.4); short protein forms S6635P, S269P, S143P, S6612P.
Identifiers: ClinVar variation 2197362 (VCV002197362.4), dbSNP rs1184479719, ClinGen allele CA389968152.